The following is an entry in ClinVar:

NM_004415.4(DSP):c.1629del (p.Asn543fs)

Gene: DSP (desmoplakin; plus strand). Cytogenetic location: 6p24.3.
Variant type: Deletion.
Coding change: c.1629del on transcript NM_004415.4 (MANE Select); coding-DNA position 1629, one base deleted (C; older notation c.1629delC).
Protein change: p.Asn543fs; shifts the reading frame from asparagine 543.
Molecular consequence: frameshift variant.
Genome position (GRCh38, 1-based): chr6:7,570,491, C deleted. VCF-style (leftmost placement, unchanged base first): chr6-7570490-AC-A. GRCh37 (hg19) VCF-style: chr6-7570723-AC-A.
Other names: c.1629del, p.Asn543fs (NM_001008844.3, NM_001319034.2); short protein forms N543fs.
Identifiers: ClinVar variation 3273884 (VCV003273884.1).
Genomic context (GRCh38, chr6:7,570,490, plus strand): 5'-CTCTTAGGATTGAGCAGTACTACGAAGCCATCTTGGCTCTGTGGAACCAGCTCTACATCA[AC>A]ATGAAGAGCCTGGTGTCCTGGCACTACTGCATGATTGACATAGAGAAGATCAGGGCCATG-3'

ClinVar aggregate classification (germline): Pathogenic (1 of 4 stars; one submission).

Conditions:
Cardiovascular phenotype. Identifiers: MedGen CN230736.

Submission:

Ambry Genetics
Classification: Pathogenic for Cardiovascular phenotype. Last evaluated: 2024-04-08. Review status: criteria provided, single submitter. Criteria: Ambry Variant Classification Scheme 2023. Collection method: clinical testing. Allele origin: germline.
Comment: The c.1629delC pathogenic mutation, located in coding exon 13 of the DSP gene, results from a deletion of one nucleotide at nucleotide position 1629, causing a translational frameshift with a predicted alternate stop codon (p.N543Kfs*2). This variant is considered to be rare based on population cohorts in the Genome Aggregation Database (gnomAD). This alteration is expected to result in loss of function by premature protein truncation or nonsense-mediated mRNA decay. As such, this alteration is interpreted as a disease-causing mutation.